The following is an entry in ClinVar:

NM_001761.3(CCNF):c.693G>C (p.Arg231Ser)

Gene: CCNF (cyclin F; plus strand). Cytogenetic location: 16p13.3.
Variant type: single nucleotide variant.
Coding change: c.693G>C on transcript NM_001761.3 (MANE Select); coding-DNA position 693, G replaced by C.
Protein change: p.Arg231Ser; replaces arginine 231 with serine.
Molecular consequence: missense variant. On other transcripts: 5 prime UTR variant (1).
Genome position (GRCh38, 1-based): chr16:2,439,451, G>C. VCF-style: chr16-2439451-G-C. GRCh37 (hg19) VCF-style: chr16-2489452-G-C.
Other names: c.-232G>C (NM_001323538.2); short protein forms R231S.
Identifiers: ClinVar variation 4885924 (VCV004885924.2).

ClinVar aggregate classification (germline): Uncertain significance (1 of 4 stars; one submission).

Submission:

Dasa
Classification: Uncertain significance. Last evaluated: 2025-06-19. Review status: criteria provided, single submitter. Criteria: DASA Assertion Criteria. Collection method: clinical testing. Allele origin: germline.
Comment: NM_001761.3(CCNF):c.693G>C (p.Arg231Ser) is a missense variant that results in the substitution of arginine with serine. This variant is absent from population databases. Computational prediction algorithms are consistent with a benign effect. The currently available literature and clinical evidence are not sufficient to establish a definitive association between this variant and the reported condition. Therefore, this variant is classified as a variant of uncertain significance.